The following is an entry in ClinVar:

ClinVar aggregate classification (germline): Benign. Review status: reviewed by expert panel (3 of 4 stars). 10 submissions from 10 submitters: Benign (1). 9 of the submissions do not count toward it. Last evaluated 2015-08-10.

Conditions:
BRCA1-related cancer predisposition. Identifiers: MedGen CN377757, MONDO:0700268.
Hereditary cancer-predisposing syndrome. Also called: Tumor predisposition; Neoplastic Syndromes, Hereditary; Hereditary Cancer Syndrome; Hereditary neoplastic syndrome. Identifiers: Orphanet 140162, MedGen C0027672, MeSH D009386, MONDO:0015356.
Hereditary breast ovarian cancer syndrome. Also called: Hereditary breast and ovarian cancer syndrome (HBOC); Hereditary breast and ovarian cancer syndrome; Hereditary breast and ovarian cancer; Hereditary breast and/or ovarian cancer syndrome; Breast and ovarian cancer; BRCA1- and BRCA2-Associated Hereditary Breast and Ovarian Cancer. Identifiers: Orphanet 145, MedGen C0677776, MeSH D061325, MONDO:0003582. Disease mechanism: loss of function.
Breast-ovarian cancer, familial, susceptibility to, 1 (BROVCA1). Also called: OVARIAN CANCER, SUSCEPTIBILITY TO; BRCA1 Hereditary Breast and Ovarian Cancer. Identifiers: Orphanet 145, MedGen C2676676, MONDO:0011450, OMIM 604370. Disease mechanism: loss of function.

Allele frequency attached by ClinVar (database versions not stated): ESP Exome Variant Server 0.00008.
gnomAD v4.1: 15 of 1,614,110 alleles (0.00093%); highest among the groups gnomAD compares: South Asian, 0.0066%; no homozygotes.

Submissions (10):

Evidence-based Network for the Interpretation of Germline Mutant Alleles (ENIGMA)
Classification: Benign for Breast-ovarian cancer, familial 1. Last evaluated: 2015-08-10. Review status: reviewed by expert panel. Criteria: ENIGMA BRCA1/2 Classification Criteria (2015). Collection method: curation. Allele origin: germline.
Comment: IARC class based on posterior probability from multifactorial likelihood analysis, thresholds for class as per Plon et al. 2008 (PMID: 18951446). Class 1 based on posterior probability = 0.00000337

Labcorp Genetics (formerly Invitae), Labcorp
Classification: Likely benign for Hereditary breast ovarian cancer syndrome. Last evaluated: 2025-12-03. Review status: criteria provided, single submitter. Criteria: Invitae Variant Classification Sherloc (09022015). Collection method: clinical testing. Allele origin: germline. Not counted in ClinVar's aggregate classification.

All of Us Research Program, National Institutes of Health
Classification: Likely benign for BRCA1-related cancer predisposition. Last evaluated: 2024-04-16. Review status: criteria provided, single submitter. Criteria: ACMG Guidelines, 2015. Collection method: clinical testing. Allele origin: germline. Inheritance: Autosomal dominant inheritance. Observed: 1 variant allele, 1 heterozygote. Not counted in ClinVar's aggregate classification.
Comment: This study involves interpretation of variants in research participants for the purpose of population health screening. Participant phenotype was not available at the time of variant classification. Additional details can be found in publication PMID: 35346344, PMCID: PMC8962531

Blueprint Genetics
Classification: Likely benign. Last evaluated: 2021-03-05. Review status: criteria provided, single submitter. Criteria: ACMG Guidelines, 2015. Collection method: clinical testing. Allele origin: germline. Not counted in ClinVar's aggregate classification.

Color Diagnostics, LLC DBA Color Health
Classification: Likely benign for Hereditary cancer-predisposing syndrome. Last evaluated: 2017-07-24. Review status: criteria provided, single submitter. Criteria: ACMG Guidelines, 2015. Collection method: clinical testing. Allele origin: germline. Not counted in ClinVar's aggregate classification.

GeneDx
Classification: Likely benign. Last evaluated: 2016-03-02. Review status: criteria provided, single submitter. Criteria: GeneDx Variant Classification (06012015). Collection method: clinical testing. Allele origin: germline. Affected: yes. Not counted in ClinVar's aggregate classification.
Comment: This variant is considered likely benign or benign based on one or more of the following criteria: it is a conservative change, it occurs at a poorly conserved position in the protein, it is predicted to be benign by multiple in silico algorithms, and/or has population frequency not consistent with disease.

Ambry Genetics
Classification: Benign for Hereditary cancer-predisposing syndrome. Last evaluated: 2014-11-18. Review status: criteria provided, single submitter. Criteria: Ambry Variant Classification Scheme 2023. Collection method: clinical testing. Allele origin: germline. Not counted in ClinVar's aggregate classification.

Counsyl
Classification: Benign for Breast-ovarian cancer, familial, susceptibility to, 1. Last evaluated: 2017-10-12. Review status: no assertion criteria provided. Collection method: clinical testing. Allele origin: unknown. Not counted in ClinVar's aggregate classification.

Breast Cancer Information Core (BIC) (BRCA1)
Classification: Uncertain significance for Breast-ovarian cancer, familial 1. Last evaluated: 2004-11-25. Review status: no assertion criteria provided. Collection method: clinical testing. Allele origin: germline. Affected: yes. Observed: 2 variant alleles. Not counted in ClinVar's aggregate classification.

Department of Pathology and Laboratory Medicine, Sinai Health System
Classification: Uncertain significance. Review status: no assertion criteria provided. Collection method: clinical testing. Allele origin: unknown. Affected: yes. Study: The Canadian Open Genetics Repository (COGR). Not counted in ClinVar's aggregate classification.
Comment: The BRCA1 p.Asn473Ser variant was identified in the literature however the frequency of this variant in an affected population was not provided (Easton 2007, Lindor 2012, van der Stoep 2009). Studies by Easton 2007 and Lindor 2012 predict this variant has a low probability of being deleterious. The variant was identified in the following databases: dbSNP (ID: rs80357057) as "With Uncertain significance, other allele", ClinVar (1x benign, reviewed by expert panel ENIGMA, 2x likely benign, 2x uncertain significance), Clinvitae, LOVD 3.0 (4x, predicted neutral), BIC Database (2x), and ARUP Laboratories (Not pathogenic or of no clinical significance). The variant was not identified in Cosmic, MutDB, or the Zhejiang Colon Cancer Database. The variant was identified in control databases in 4 of 277024 chromosomes at a frequency of 0.00001 (Genome Aggregation Database Feb 27, 2017). It was observed in the following populations: African in 1 of 24036 chromosomes (freq: 0.00004), Finnish in 1 of 25778 chromosomes (freq: 0.00004), and South Asian in 2 of 30778 chromosomes (freq: 0.00007). The variant was not observed in the â€šÃ„ÃºOtherâ€šÃ„Ã¹, Latino, European, Ashkenazi Jewish, or East Asian populations. The p.Asn473 residue is not conserved in mammals and four out of five computational analyses (PolyPhen-2, SIFT, AlignGVGD, BLOSUM, MutationTaster) do not suggest a high likelihood of impact to the protein; however, this information is not predictive enough to rule out pathogenicity. The variant occurs outside of the splicing consensus sequence and 1 of 5 in silico or computational prediction software programs (SpliceSiteFinder, MaxEntScan, NNSPLICE, GeneSplicer, HumanSpliceFinder) predict a greater than 10% difference in splicing; this is not very predictive of pathogenicity. In summary, based on the above information the clinical significance of this variant cannot be determined with certainty at this time. This variant is classified as a variant of uncertain significance.

Literature cited by the submitters: PubMed 21990134 (cited by Evidence-based Network for the Interpretation of Germline Mutant Alleles (ENIGMA) and Counsyl); PubMed 16267036 (cited by Counsyl); PubMed 17924331 (cited by Counsyl).

NM_007294.4(BRCA1):c.1418A>G (p.Asn473Ser)

Gene: BRCA1 (BRCA1 DNA repair associated; minus strand). Cytogenetic location: 17q21.31.
Variant type: single nucleotide variant.
Coding change: c.1418A>G on transcript NM_007294.4 (MANE Select); coding-DNA position 1418, A replaced by G.
Protein change: p.Asn473Ser; replaces asparagine 473 with serine.
Molecular consequence: missense variant. On other transcripts: intron variant (137).
Genome position (GRCh38, 1-based): chr17:43,094,113, T>C on the plus strand (A>G on the coding strand, the complement: BRCA1 is on the minus strand). VCF-style: chr17-43094113-T-C. GRCh37 (hg19) VCF-style: chr17-41246130-T-C.
Other names: 1537A>G; c.1205A>G, p.Asn402Ser (NM_001407571.1, NM_001407853.1, NM_001407894.1 and 9 more transcripts); c.1418A>G, p.Asn473Ser (NM_001407581.1, NM_001407582.1, NM_001407583.1 and 30 more transcripts); c.1415A>G, p.Asn472Ser (NM_001407587.1, NM_001407590.1, NM_001407591.1 and 22 more transcripts); c.1409A>G, p.Asn470Ser (NM_001407646.1, NM_001407647.1); c.1295A>G, p.Asn432Ser (NM_001407648.1, NM_001407664.1, NM_001407665.1 and 19 more transcripts); c.1292A>G, p.Asn431Ser (NM_001407649.1, NM_001407670.1, NM_001407671.1 and 11 more transcripts); c.1340A>G, p.Asn447Ser (NM_001407653.1, NM_001407654.1, NM_001407655.1 and 4 more transcripts); and 41 more; short protein forms N473S, N426S, N177S, N384S, N405S, N406S, N345S, N361S.
Identifiers: ClinVar variation 54248 (VCV000054248.23), dbSNP rs80357057, ClinGen allele CA000953.